The following is an entry in ClinVar:

ClinVar aggregate classification (germline): Benign. Review status: criteria provided, multiple submitters, no conflicts (2 of 4 stars). 2 submissions from 2 submitters: Benign (2). Last evaluated 2017-04-27.

Conditions:
Congenital generalized lipodystrophy type 4. Also called: BERARDINELLI-SEIP CONGENITAL LIPODYSTROPHY, TYPE 4, WITH MUSCULAR DYSTROPHY. Identifiers: Orphanet 228429, MedGen C2750069, MONDO:0013225, OMIM 613327.

Allele frequency attached by ClinVar (database versions not stated): gnomAD exomes 0.11806; gnomAD 0.13601 and 0.14243; TOPMed 0.13869; 1000 Genomes Project 30x 0.19644; 1000 Genomes Project 0.20168.
gnomAD v4.1: 21,837 of 152,372 alleles (14%); highest among the groups gnomAD compares: East Asian, 37%; 1,842 homozygotes.

Submissions (2):

Illumina Laboratory Services, Illumina
Classification: Benign for Congenital generalized lipodystrophy type 4. Last evaluated: 2017-04-27. Review status: criteria provided, single submitter. Criteria: ICSL Variant Classification Criteria 13 December 2019. Collection method: clinical testing. Allele origin: germline.
Comment: This variant was observed as part of a predisposition screen in an ostensibly healthy population. A literature search was performed for the gene, cDNA change, and amino acid change (where applicable). No publications were found based on this search. Allele frequency data from public databases was too high to be consistent with this variant causing disease. Therefore, this variant is classified as benign.

Breakthrough Genomics
Classification: Benign. Review status: criteria provided, single submitter. Criteria: ACMG Guidelines, 2015. Collection method: not provided. Allele origin: germline. Inheritance: Autosomal recessive inheritance. Affected: yes.

NM_012232.6(CAVIN1):c.*906G>A

Gene: CAVIN1 (caveolae associated protein 1; minus strand). Cytogenetic location: 17q21.2.
Variant type: single nucleotide variant.
Coding change: c.*906G>A on transcript NM_012232.6 (MANE Select); 906 bases downstream of the stop codon, G replaced by A.
Molecular consequence: 3 prime UTR variant.
Genome position (GRCh38, 1-based): chr17:42,403,781, C>T on the plus strand (G>A on the coding strand, the complement: CAVIN1 is on the minus strand). VCF-style: chr17-42403781-C-T. GRCh37 (hg19) VCF-style: chr17-40555799-C-T.
Identifiers: ClinVar variation 323266 (VCV000323266.6), dbSNP rs1129422, ClinGen allele CA10650148.
Genomic context (GRCh38, chr17:42,403,781, plus strand): 5'-GGTTCAAGCAATTCTCCCCACCTCAGCCTCCAAAGTAGCTGGGATTACAGGCATGCGCAA[C>T]CATGCCCAGCTAATTTTTGTAATTTTAGTAGAGATGGGTTTTCGCTTAGTAGAGATGGGG-3'